The following is an entry in ClinVar:

NM_015213.4(DENND5A):c.879C>G (p.Leu293=)

Gene: DENND5A (DENN domain containing 5A; minus strand). Cytogenetic location: 11p15.4.
Variant type: single nucleotide variant.
Coding change: c.879C>G on transcript NM_015213.4 (MANE Select); coding-DNA position 879, C replaced by G.
Protein change: p.Leu293=; no amino-acid change (leucine 293 retained).
Molecular consequence: synonymous variant. On other transcripts: non-coding transcript variant (1).
Genome position (GRCh38, 1-based): chr11:9,203,730, G>C on the plus strand (C>G on the coding strand, the complement: DENND5A is on the minus strand). VCF-style: chr11-9203730-G-C. GRCh37 (hg19) VCF-style: chr11-9225277-G-C.
Other names: c.879C>G, p.Leu293= (NM_001243254.2, NM_001348748.1); c.807C>G, p.Leu269= (NM_001348749.2); c.591C>G, p.Leu197= (NM_001348750.2).
Identifiers: ClinVar variation 2641592 (VCV002641592.27), dbSNP rs772057315, ClinGen allele CA5877739.

ClinVar aggregate classification (germline): Likely benign. Review status: criteria provided, multiple submitters, no conflicts (2 of 4 stars). 2 submissions from 2 submitters: Likely benign (2). Last evaluated 2025-12-19.

Allele frequency attached by ClinVar (database versions not stated): ExAC 0.00001; 1000 Genomes Project 30x 0.00016.
gnomAD v4.1: 9 of 1,614,084 alleles (0.00056%); highest among the groups gnomAD compares: Admixed American, 0.0017%; no homozygotes.

Submissions (2):

Labcorp Genetics (formerly Invitae), Labcorp
Classification: Likely benign. Last evaluated: 2025-12-19. Review status: criteria provided, single submitter. Criteria: Invitae Variant Classification Sherloc (09022015). Collection method: clinical testing. Allele origin: germline.

CeGaT Center for Human Genetics Tuebingen
Classification: Likely benign. Last evaluated: 2022-10-01. Review status: criteria provided, single submitter. Criteria: CeGaT Center For Human Genetics Tuebingen Variant Classification Criteria Version 2. Collection method: clinical testing. Allele origin: germline. Affected: yes. Observed: 1 variant allele.
Comment: DENND5A: BP4, BP7